The following is an entry in ClinVar:

NM_016373.4(WWOX):c.253T>G (p.Tyr85Asp)

Gene: WWOX (WW domain containing oxidoreductase; plus strand). Cytogenetic location: 16q23.1.
Variant type: single nucleotide variant.
Coding change: c.253T>G on transcript NM_016373.4 (MANE Select); coding-DNA position 253, T replaced by G.
Protein change: p.Tyr85Asp; replaces tyrosine 85 with aspartic acid.
Molecular consequence: missense variant. On other transcripts: 5 prime UTR variant (1), non-coding transcript variant (1).
Genome position (GRCh38, 1-based): chr16:78,114,998, T>G. VCF-style: chr16-78114998-T-G. GRCh37 (hg19) VCF-style: chr16-78148895-T-G.
Other names: c.-87T>G (NM_001291997.2); c.253T>G, p.Tyr85Asp (NM_130791.5); short protein forms Y85D.
Identifiers: ClinVar variation 981876 (VCV000981876.5), dbSNP rs781063964, ClinGen allele CA8183132.

ClinVar aggregate classification (germline): Uncertain significance. Review status: criteria provided, multiple submitters, no conflicts (2 of 4 stars). 4 submissions from 4 submitters: Uncertain significance (4). Last evaluated 2026-08-06.

Conditions:
Developmental and epileptic encephalopathy, 28 (DEE28). Also called: Epileptic encephalopathy, early infantile, 28. Identifiers: Orphanet 442835, MedGen C4015519, MONDO:0014533, OMIM 616211.
Hereditary breast ovarian cancer syndrome. Also called: BRCA1- and BRCA2-Associated Hereditary Breast and Ovarian Cancer; Breast and ovarian cancer; Hereditary breast and ovarian cancer; Hereditary breast and ovarian cancer syndrome (HBOC); Hereditary breast and/or ovarian cancer syndrome; Hereditary breast and ovarian cancer syndrome. Identifiers: Orphanet 145, MedGen C0677776, MeSH D061325, MONDO:0003582. Disease mechanism: loss of function.
Developmental and epileptic encephalopathy, 1 (DEE1). Also called: X-linked infantile spasms; West's syndrome; Tonic spasms with clustering, arrest of psychomotor development and hypsarrhythmia on EEG; X-Linked Infantile Spasm Syndrome; OHTAHARA SYNDROME, X-LINKED; Epileptic encephalopathy, early infantile, 1. Identifiers: MedGen C3463992, MONDO:0010632, OMIM 308350. Disease mechanism: loss of function.
Autosomal recessive spinocerebellar ataxia 12. Also called: SPINOCEREBELLAR ATAXIA WITH MENTAL RETARDATION AND EPILEPSY. Identifiers: Orphanet 284282, MedGen C3280452, MONDO:0013687, OMIM 614322.

Allele frequency attached by ClinVar (database versions not stated): TOPMed 0.00001; gnomAD exomes below 0.00001; ExAC 0.00001.
gnomAD v4.1: 1 of 1,614,198 alleles (0.000062%); highest among the groups gnomAD compares: Admixed American, 0.0017%; no homozygotes.

Submissions (4):

OLLIN Analises Genomicas, OLLIN
Classification: Uncertain significance for Developmental and epileptic encephalopathy, 28. Last evaluated: 2026-08-06. Review status: criteria provided, single submitter. Criteria: ACMG Guidelines 2015 PMID 25741868. Collection method: clinical testing. Allele origin: germline. Inheritance: Autosomal recessive inheritance.
Comment: This missense variant, located in exon 4 (of 9), has been reported in ClinVar (accession VCV000981876.4) and in gnomAD with an allele frequency of 0.000062%. However, to our knowledge, it has not been reported in the scientific literature. In silico analysis predicts that this variant has a deleterious effect. According to the currently available evidence, this variant has been classified as uncertain significance (PM2_P, PP3_M).

Labcorp Genetics (formerly Invitae), Labcorp
Classification: Uncertain significance for Developmental and epileptic encephalopathy, 1; Autosomal recessive spinocerebellar ataxia 12. Last evaluated: 2022-07-23. Review status: criteria provided, single submitter. Criteria: Invitae Variant Classification Sherloc (09022015). Collection method: clinical testing. Allele origin: germline.
Comment: This sequence change replaces tyrosine, which is neutral and polar, with aspartic acid, which is acidic and polar, at codon 85 of the WWOX protein (p.Tyr85Asp). This variant is present in population databases (rs781063964, gnomAD 0.003%). This variant has not been reported in the literature in individuals affected with WWOX-related conditions. ClinVar contains an entry for this variant (Variation ID: 981876). Algorithms developed to predict the effect of missense changes on protein structure and function are either unavailable or do not agree on the potential impact of this missense change (SIFT: "Not Available"; PolyPhen-2: "Probably Damaging"; Align-GVGD: "Not Available"). In summary, the available evidence is currently insufficient to determine the role of this variant in disease. Therefore, it has been classified as a Variant of Uncertain Significance.

Molecular Oncology Research Center, Barretos Cancer Hospital
Classification: Uncertain significance for Hereditary breast ovarian cancer syndrome. Last evaluated: 2020-08-01. Review status: criteria provided, single submitter. Criteria: ACMG Guidelines, 2015. Collection method: research. Allele origin: germline. Affected: yes. Observed: 1 variant allele.

GeneDx
Classification: Uncertain significance. Last evaluated: 2019-06-25. Review status: criteria provided, single submitter. Criteria: GeneDx Variant Classification Process June 2021. Collection method: clinical testing. Allele origin: germline. Affected: yes.
Comment: Not observed at a significant frequency in large population cohorts (Lek et al., 2016); In silico analysis, which includes protein predictors and evolutionary conservation, supports a deleterious effect; Reported in the heterozygous state in a study of patients who were small for gestational age; no additional information was available (Braga et al., 2019)